The following is an entry in ClinVar:

NM_006258.4(PRKG1):c.785A>T (p.Tyr262Phe)

Gene: PRKG1 (protein kinase cGMP-dependent 1; plus strand). Cytogenetic location: 10q21.1.
Variant type: single nucleotide variant.
Coding change: c.785A>T on transcript NM_006258.4 (MANE Select); coding-DNA position 785, A replaced by T.
Protein change: p.Tyr262Phe; replaces tyrosine 262 with phenylalanine.
Molecular consequence: missense variant. On other transcripts: 5 prime UTR variant (1).
Genome position (GRCh38, 1-based): chr10:52,054,506, A>T. VCF-style: chr10-52054506-A-T. GRCh37 (hg19) VCF-style: chr10-53814266-A-T.
Other names: c.740A>T, p.Tyr247Phe (NM_001098512.3); c.-425A>T (NM_001374781.1); c.785A>T, p.Tyr262Phe (NM_001374782.1); short protein forms Y247F, Y262F.
Identifiers: ClinVar variation 1463225 (VCV001463225.8), dbSNP rs2133254634, ClinGen allele CA376533831.
Genomic context (GRCh38, chr10:52,054,506, plus strand): 5'-CTTGCTTAATTTTTTTTCTTATTGTTTCTACTTTTCAGACCCACTATGAAAATGGAGAAT[A>T]TATTATCAGGCAAGGTGCAAGAGGGGACACCTTCTTTATCATCAGCAAAGGAACGGTAAG-3'
Protein context (NP_006249.1, residues 252-272): LEETHYENGE[Tyr262Phe]IIRQGARGDT

ClinVar aggregate classification (germline): Uncertain significance (1 of 4 stars; one submission).

Conditions:
Aortic aneurysm, familial thoracic 8 (AAT8). Identifiers: MedGen C3809513, MONDO:0014187, OMIM 615436.

Submission:

Labcorp Genetics (formerly Invitae), Labcorp
Classification: Uncertain significance for Aortic aneurysm, familial thoracic 8. Last evaluated: 2021-04-24. Review status: criteria provided, single submitter. Criteria: Invitae Variant Classification Sherloc (09022015). Collection method: clinical testing. Allele origin: germline.
Comment: This sequence change replaces tyrosine with phenylalanine at codon 262 of the PRKG1 protein (p.Tyr262Phe). The tyrosine residue is moderately conserved and there is a small physicochemical difference between tyrosine and phenylalanine. This variant is not present in population databases (ExAC no frequency). This variant has not been reported in the literature in individuals with PRKG1-related conditions. Algorithms developed to predict the effect of missense changes on protein structure and function are either unavailable or do not agree on the potential impact of this missense change (SIFT: "Deleterious"; PolyPhen-2: "Benign"; Align-GVGD: "Class C0"). In summary, the available evidence is currently insufficient to determine the role of this variant in disease. Therefore, it has been classified as a Variant of Uncertain Significance.